The following is an entry in ClinVar:

ClinVar aggregate classification (germline): Uncertain significance (1 of 4 stars; one submission).

Submission:

Labcorp Genetics (formerly Invitae), Labcorp
Classification: Uncertain significance. Last evaluated: 2022-03-20. Review status: criteria provided, single submitter. Criteria: Invitae Variant Classification Sherloc (09022015). Collection method: clinical testing. Allele origin: germline.
Comment: This variant has not been reported in the literature in individuals affected with LRP2-related conditions. This variant is not present in population databases (gnomAD no frequency). This sequence change replaces tryptophan, which is neutral and slightly polar, with cysteine, which is neutral and slightly polar, at codon 1599 of the LRP2 protein (p.Trp1599Cys). Advanced modeling of protein sequence and biophysical properties (such as structural, functional, and spatial information, amino acid conservation, physicochemical variation, residue mobility, and thermodynamic stability) performed at Invitae indicates that this missense variant is expected to disrupt LRP2 protein function. In summary, the available evidence is currently insufficient to determine the role of this variant in disease. Therefore, it has been classified as a Variant of Uncertain Significance.

NM_004525.3(LRP2):c.4797G>C (p.Trp1599Cys)

Gene: LRP2 (LDL receptor related protein 2; minus strand). Cytogenetic location: 2q31.1.
Variant type: single nucleotide variant.
Coding change: c.4797G>C on transcript NM_004525.3 (MANE Select); coding-DNA position 4797, G replaced by C.
Protein change: p.Trp1599Cys; replaces tryptophan 1599 with cysteine.
Molecular consequence: missense variant.
Genome position (GRCh38, 1-based): chr2:169,235,963, C>G on the plus strand (G>C on the coding strand, the complement: LRP2 is on the minus strand). VCF-style: chr2-169235963-C-G. GRCh37 (hg19) VCF-style: chr2-170092473-C-G.
Other names: short protein forms W1599C.
Identifiers: ClinVar variation 2112971 (VCV002112971.3), dbSNP rs1689589338, ClinGen allele CA349142497.